The following is an entry in ClinVar:

NM_017662.5(TRPM6):c.2323C>T (p.Gln775Ter)

Gene: TRPM6 (transient receptor potential cation channel subfamily M member 6; minus strand). Cytogenetic location: 9q21.13.
Variant type: single nucleotide variant.
Coding change: c.2323C>T on transcript NM_017662.5 (MANE Select); coding-DNA position 2323, C replaced by T.
Protein change: p.Gln775Ter; replaces glutamine 775 with a stop codon.
Molecular consequence: nonsense.
Genome position (GRCh38, 1-based): chr9:74,796,809, G>A on the plus strand (C>T on the coding strand, the complement: TRPM6 is on the minus strand). VCF-style: chr9-74796809-G-A. GRCh37 (hg19) VCF-style: chr9-77411725-G-A.
Other names: p.Gln775*; c.2308C>T, p.Gln770Ter (NM_001177310.2, NM_001177311.2); short protein forms Q770*, Q775*.
Identifiers: ClinVar variation 2683656 (VCV002683656.1), dbSNP rs1828116163, ClinGen allele CA373683016.
Genomic context (GRCh38, chr9:74,796,809, plus strand): 5'-CACTTTCTTTGGAACTGCTGGCGTTCTGGTCACTGTAATACCACATAAATTGGAAGTCCT[G>A]GGACTGGGGAACATGTGACATCTCAGCTTTGCTTTTAAATTCCAGTGTCAAAATGGTGGG-3'

ClinVar aggregate classification (germline): Likely pathogenic (1 of 4 stars; one submission).

Allele frequency attached by ClinVar (database versions not stated): TOPMed below 0.00001; gnomAD 0.00001.
gnomAD v4.1: 1 of 1,613,780 alleles (0.000062%); highest among the groups gnomAD compares: Non-Finnish European, 0.000085%; no homozygotes.

Submission:

Mayo Clinic Laboratories, Mayo Clinic
Classification: Likely pathogenic. Last evaluated: 2023-04-05. Review status: criteria provided, single submitter. Criteria: ACMG Guidelines, 2015. Collection method: clinical testing. Allele origin: germline. Observed: 1 variant allele.
Comment: PM2_supporting, PVS1